The following is an entry in ClinVar:

NM_030962.4(SBF2):c.2284G>A (p.Asp762Asn)

Genes: SBF2 (SET binding factor 2; minus strand), LOC101928008 (uncharacterized LOC101928008; plus strand). Cytogenetic location: 11p15.4.
Variant type: single nucleotide variant.
Coding change: c.2284G>A on transcript NM_030962.4 (MANE Select); coding-DNA position 2284, G replaced by A.
Protein change: p.Asp762Asn; replaces aspartic acid 762 with asparagine.
Molecular consequence: missense variant.
Genome position (GRCh38, 1-based): chr11:9,856,537, C>T on the plus strand (G>A on the coding strand, the complement: SBF2 is on the minus strand). VCF-style: chr11-9856537-C-T. GRCh37 (hg19) VCF-style: chr11-9878084-C-T.
Other names: c.2284G>A, p.Asp762Asn (NM_001386339.1); c.2155G>A, p.Asp719Asn (NM_001386342.1); short protein forms D762N, D719N.
Identifiers: ClinVar variation 949433 (VCV000949433.8), dbSNP rs929805760, ClinGen allele CA217621492.

ClinVar aggregate classification (germline): Uncertain significance (1 of 4 stars; one submission).

Conditions:
Charcot-Marie-Tooth disease type 4. Also called: Charcot-Marie-Tooth, Type 4; Charcot-Marie-Tooth disease, type IV. Identifiers: Orphanet 64749, MedGen C4082197, MONDO:0018995.

Allele frequency attached by ClinVar (database versions not stated): gnomAD 0.00001; gnomAD exomes 0.00001 and 0.00002; TOPMed 0.00002.
gnomAD v4.1: 27 of 1,613,972 alleles (0.0017%); highest among the groups gnomAD compares: Admixed American, 0.0033%; no homozygotes.

Submission:

Labcorp Genetics (formerly Invitae), Labcorp
Classification: Uncertain significance for Charcot-Marie-Tooth disease type 4. Last evaluated: 2021-05-09. Review status: criteria provided, single submitter. Criteria: Invitae Variant Classification Sherloc (09022015). Collection method: clinical testing. Allele origin: germline.
Comment: In summary, the available evidence is currently insufficient to determine the role of this variant in disease. Therefore, it has been classified as a Variant of Uncertain Significance. Algorithms developed to predict the effect of missense changes on protein structure and function are either unavailable or do not agree on the potential impact of this missense change (SIFT: "Deleterious"; PolyPhen-2: "Benign"; Align-GVGD: "Class C0"). This variant has not been reported in the literature in individuals with SBF2-related conditions. This variant is not present in population databases (ExAC no frequency). This sequence change replaces aspartic acid with asparagine at codon 762 of the SBF2 protein (p.Asp762Asn). The aspartic acid residue is highly conserved and there is a small physicochemical difference between aspartic acid and asparagine.